The following is an entry in ClinVar:

NM_001081.4(CUBN):c.3718T>G (p.Cys1240Gly)

Gene: CUBN (cubilin; minus strand). Cytogenetic location: 10p13.
Variant type: single nucleotide variant.
Coding change: c.3718T>G on transcript NM_001081.4 (MANE Select); coding-DNA position 3718, T replaced by G.
Protein change: p.Cys1240Gly; replaces cysteine 1240 with glycine.
Molecular consequence: missense variant.
Genome position (GRCh38, 1-based): chr10:17,043,938, A>C on the plus strand (T>G on the coding strand, the complement: CUBN is on the minus strand). VCF-style: chr10-17043938-A-C. GRCh37 (hg19) VCF-style: chr10-17085937-A-C.
Other names: short protein forms C1240G.
Identifiers: ClinVar variation 1718696 (VCV001718696.5), dbSNP rs2491939978, ClinGen allele CA376147914.

ClinVar aggregate classification (germline): Uncertain significance (1 of 4 stars; one submission).

Conditions:
Imerslund-Grasbeck syndrome. Also called: ENTEROCYTE COBALAMIN MALABSORPTION; ENTEROCYTE INTRINSIC FACTOR RECEPTOR, DEFECT OF; PERNICIOUS ANEMIA, JUVENILE, DUE TO SELECTIVE INTESTINAL MALABSORPTION OF VITAMIN B12, WITH PROTEINURIA; Imerslund-Gräsbeck syndrome; Megaloblastic anemia due to inborn errors of metabolism. Identifiers: Orphanet 35858, MedGen C4551825, MONDO:0009853.

Allele frequency attached by ClinVar (database versions not stated): gnomAD exomes below 0.00001.
gnomAD v4.1: 1 of 1,613,684 alleles (0.000062%); highest among the groups gnomAD compares: Non-Finnish European, 0.000085%; no homozygotes.

Submission:

Labcorp Genetics (formerly Invitae), Labcorp
Classification: Uncertain significance for Imerslund-Grasbeck syndrome. Last evaluated: 2025-03-14. Review status: criteria provided, single submitter. Criteria: Invitae Variant Classification Sherloc (09022015). Collection method: clinical testing. Allele origin: germline.
Comment: This sequence change replaces cysteine, which is neutral and slightly polar, with glycine, which is neutral and non-polar, at codon 1240 of the CUBN protein (p.Cys1240Gly). This variant is not present in population databases (gnomAD no frequency). This variant has not been reported in the literature in individuals affected with CUBN-related conditions. ClinVar contains an entry for this variant (Variation ID: 1718696). Invitae Evidence Modeling of protein sequence and biophysical properties (such as structural, functional, and spatial information, amino acid conservation, physicochemical variation, residue mobility, and thermodynamic stability) indicates that this missense variant is expected to disrupt CUBN protein function with a positive predictive value of 80%. In summary, the available evidence is currently insufficient to determine the role of this variant in disease. Therefore, it has been classified as a Variant of Uncertain Significance.